The following is an entry in ClinVar:

NM_000059.4(BRCA2):c.2167dup (p.Ser723fs)

Gene: BRCA2 (BRCA2 DNA repair associated; plus strand). Cytogenetic location: 13q13.1.
Variant type: Duplication.
Coding change: c.2167dup on transcript NM_000059.4 (MANE Select); coding-DNA position 2167, one base duplicated (A; older notation c.2167dupA).
Protein change: p.Ser723fs; shifts the reading frame from serine 723.
Molecular consequence: frameshift variant.
Genome position (GRCh38, 1-based): chr13:32,336,522, A duplicated; the last of 5 consecutive A bases (chr13:32,336,518-32,336,522); duplicating any one gives the same sequence. VCF-style (leftmost placement, unchanged base first): chr13-32336517-C-CA. GRCh37 (hg19) VCF-style: chr13-32910654-C-CA.
Other names: short protein forms S723fs.
Identifiers: ClinVar variation 987130 (VCV000987130.8), dbSNP rs2072451752, ClinGen allele CA1139663107.

ClinVar aggregate classification (germline): Pathogenic/Likely pathogenic. Review status: criteria provided, multiple submitters, no conflicts (2 of 4 stars). 2 submissions from 2 submitters: Pathogenic (1); Likely pathogenic (1). Last evaluated 2021-09-07.

Conditions:
Hereditary breast ovarian cancer syndrome. Also called: Hereditary breast and ovarian cancer syndrome; Hereditary breast and ovarian cancer syndrome (HBOC); Breast and ovarian cancer; Hereditary breast and/or ovarian cancer syndrome; Hereditary breast and ovarian cancer; BRCA1- and BRCA2-Associated Hereditary Breast and Ovarian Cancer. Identifiers: Orphanet 145, MedGen C0677776, MeSH D061325, MONDO:0003582. Disease mechanism: loss of function.

Submissions (2):

Labcorp Genetics (formerly Invitae), Labcorp
Classification: Pathogenic for Hereditary breast ovarian cancer syndrome. Last evaluated: 2021-09-07. Review status: criteria provided, single submitter. Criteria: Invitae Variant Classification Sherloc (09022015). Collection method: clinical testing. Allele origin: germline.
Comment: This sequence change creates a premature translational stop signal (p.Ser723Lysfs*28) in the BRCA2 gene. It is expected to result in an absent or disrupted protein product. Loss-of-function variants in BRCA2 are known to be pathogenic (PMID: 20104584). This variant is not present in population databases (ExAC no frequency). This variant has not been reported in the literature in individuals affected with BRCA2-related conditions. ClinVar contains an entry for this variant (Variation ID: 987130). For these reasons, this variant has been classified as Pathogenic.

Institute of Medical Genetics and Applied Genomics, University Hospital Tübingen
Classification: Likely pathogenic. Last evaluated: 2020-10-23. Review status: criteria provided, single submitter. Criteria: ACMG Guidelines, 2015. Collection method: clinical testing. Allele origin: germline. Inheritance: Unknown mechanism. Affected: yes.

Literature cited by the submitters: PubMed 20104584 (cited by Labcorp Genetics (formerly Invitae), Labcorp).